The following is an entry in ClinVar:

ClinVar aggregate classification (germline): Uncertain significance (1 of 4 stars; one submission).

Conditions:
Hereditary cancer-predisposing syndrome. Also called: Tumor predisposition; Hereditary Cancer Syndrome; Neoplastic Syndromes, Hereditary; Hereditary neoplastic syndrome. Identifiers: Orphanet 140162, MedGen C0027672, MeSH D009386, MONDO:0015356.

Submission:

Ambry Genetics
Classification: Uncertain significance for Hereditary cancer-predisposing syndrome. Last evaluated: 2019-04-12. Review status: criteria provided, single submitter. Criteria: Ambry Variant Classification Scheme 2023. Collection method: clinical testing. Allele origin: germline.
Comment: The c.2641dupC variant, located in coding exon 20 of the POLD1 gene, results from a duplication of C at nucleotide position 2641, causing a translational frameshift with a predicted alternate stop codon (p.L881Pfs*73). This alteration is expected to result in loss of function by premature protein truncation or nonsense-mediated mRNA decay. However, loss of function via haploinsufficiency in POLD1 has not been clearly established as a mechanism of disease. Since supporting evidence is limited at this time, the clinical significance of this alteration remains unclear.

NM_002691.4(POLD1):c.2641dup (p.Leu881fs)

Gene: POLD1 (DNA polymerase delta 1, catalytic subunit; plus strand). Cytogenetic location: 19q13.33.
Variant type: Duplication.
Coding change: c.2641dup on transcript NM_002691.4 (MANE Select); coding-DNA position 2641, one base duplicated (C; older notation c.2641dupC).
Protein change: p.Leu881fs; shifts the reading frame from leucine 881.
Molecular consequence: frameshift variant. On other transcripts: non-coding transcript variant (1).
Genome position (GRCh38, 1-based): chr19:50,415,514, C duplicated. VCF-style (leftmost placement, unchanged base first): chr19-50415513-G-GC. GRCh37 (hg19) VCF-style: chr19-50918770-G-GC.
Other names: c.2641dup, p.Leu881fs (NM_001256849.1); c.2719dup, p.Leu907fs (NM_001308632.1); short protein forms L907fs, L881fs.
Identifiers: ClinVar variation 821618 (VCV000821618.4), dbSNP rs1601243216, ClinGen allele CA915951889.